The following is an entry in ClinVar:

NM_000535.7(PMS2):c.1652G>C (p.Cys551Ser)

Gene: PMS2 (PMS1 homolog 2, mismatch repair system component; minus strand). Cytogenetic location: 7p22.1.
Variant type: single nucleotide variant.
Coding change: c.1652G>C on transcript NM_000535.7 (MANE Select); coding-DNA position 1652, G replaced by C.
Protein change: p.Cys551Ser; replaces cysteine 551 with serine.
Molecular consequence: missense variant. On other transcripts: non-coding transcript variant (1), intron variant (1).
Genome position (GRCh38, 1-based): chr7:5,987,113, C>G on the plus strand (G>C on the coding strand, the complement: PMS2 is on the minus strand). VCF-style: chr7-5987113-C-G. GRCh37 (hg19) VCF-style: chr7-6026744-C-G.
Other names: c.1343G>C, p.Cys448Ser (NM_001406878.1, NM_001406879.1, NM_001406880.1 and 5 more transcripts); c.1334G>C, p.Cys445Ser (NM_001406883.1, NM_001406903.1, NM_001322007.2 and 2 more transcripts); c.1328G>C, p.Cys443Ser (NM_001406884.1); c.1316G>C, p.Cys439Ser (NM_001406885.1); c.1286G>C, p.Cys429Ser (NM_001406886.1); c.1247G>C, p.Cys416Ser (NM_001406887.1, NM_001406888.1, NM_001406889.1 and 16 more transcripts); c.1187G>C, p.Cys396Ser (NM_001406900.1); c.1178G>C, p.Cys393Ser (NM_001406901.1, NM_001406902.1); and 13 more; short protein forms C240S, C294S, C360S, C364S, C380S, C393S, C396S, C416S.
Identifiers: ClinVar variation 4890798 (VCV004890798.1).

ClinVar aggregate classification (germline): Uncertain significance (1 of 4 stars; one submission).

Conditions:
Lynch syndrome 4 (LYNCH4). Also called: Hereditary non-polyposis colorectal cancer, type 4; Colorectal cancer, hereditary nonpolyposis, type 4. Identifiers: Orphanet 144, MedGen C1838333, MONDO:0013699, OMIM 614337. Disease mechanism: loss of function.

Submission:

Helix
Classification: Uncertain significance for Lynch syndrome 4. Last evaluated: 2026-04-04. Review status: criteria provided, single submitter. Criteria: ACMG Guidelines, 2015. Collection method: clinical testing. Allele origin: germline. Inheritance: Autosomal dominant inheritance.
Comment: This variant (NM_000535.7:c.1652G>C p.Cys551Ser) results in the substitution of cysteine with serine at codon 551 in the PMS2 protein. It is a rare variant that is absent from the large gnomAD population database (v4.1). To our knowledge, this variant has not been reported in individuals with PMS2-related conditions in the published literature. In silico prediction from the HCI Database of Prior Probabilities of Pathogenicity suggests that this variant may be benign. In conclusion, since the available evidence is limited, the clinical significance of this variant is unclear at this time. Therefore, it is classified as a Variant of Uncertain Significance.